The following is an entry in ClinVar:

ClinVar aggregate classification (germline): Likely pathogenic (1 of 4 stars; one submission).

Conditions:
Arrhythmogenic right ventricular cardiomyopathy (ARVD). Also called: Arrhythmogenic right ventricular dysplasia; Cardiomyopathy, ARVC; Arrhythmogenic cardiomyopathy; Arrhythmogenic Right Ventricular Cardiomyopathy (ARVC). Identifiers: Orphanet 247, MedGen C0349788, MeSH D019571, MONDO:0016587. Disease mechanism: loss of function. Inheritance: Various modes of inheritance.

Submission:

Laboratory for Molecular Medicine, Mass General Brigham Personalized Medicine
Classification: Likely pathogenic for Arrhythmogenic right ventricular cardiomyopathy. Last evaluated: 2016-06-07. Review status: criteria provided, single submitter. Criteria: ACMG Guidelines, 2015. Collection method: clinical testing. Allele origin: germline. Inheritance: Autosomal dominant inheritance.
Comment: The p.Pro7Glnfs variant in PKP2 has not previously been reported in individuals with arrhythmogenic right ventricular cardiomyopathy (ARVC). Data from large population studies are insufficient to assess the frequency of this variant. This frameshift variant is predicted to alter the protein's amino acid sequence beginning at position 7 and lead to a premature termination codon 32 amino acids downstream. This alteration is predicted to lead to a truncated or absent protein. Heterozygous loss of PKP2 function is an established disease mechanism in individuals with ARVC. In summary, although additional studies are required to fully establish its clinical significance, the p.Pro7Glnfs variant in PKP2 is likely pathogenic.

NM_001005242.3(PKP2):c.20del (p.Pro7fs)

Gene: PKP2 (plakophilin 2; minus strand). Cytogenetic location: 12p11.21.
Variant type: Deletion.
Coding change: c.20del on transcript NM_001005242.3 (MANE Select); coding-DNA position 20, one base deleted (C; older notation c.20delC).
Protein change: p.Pro7fs; shifts the reading frame from proline 7.
Molecular consequence: frameshift variant. On other transcripts: 5 prime UTR variant (4).
Genome position (GRCh38, 1-based): chr12:32,896,712, G deleted on the plus strand (C on the coding strand, the reverse complement: PKP2 is on the minus strand); the first of 4 consecutive G bases (chr12:32,896,712-32,896,715); deleting any one gives the same sequence. VCF-style (leftmost placement, unchanged base first): chr12-32896711-TG-T. GRCh37 (hg19) VCF-style: chr12-33049645-TG-T.
Other names: c.20del, p.Pro7fs (NM_001407155.1, NM_001407156.1, NM_001407157.1 and 2 more transcripts); c.-807del (NM_001407158.1, NM_001407162.1); c.-571del (NM_001407159.1, NM_001407160.1); short protein forms P7fs.
Identifiers: ClinVar variation 3076022 (VCV003076022.1), dbSNP rs2541385187, ClinGen allele CA913188513.